The following is an entry in ClinVar:

NM_017633.3(TENT5A):c.72CGGCGACTTCGGCGG[9] (p.Gly45_Gly46insAspPheGlyGlyGlyAspPheGlyGlyGlyAspPheGlyGlyGlyAspPheGlyGlyGlyAspPheGlyGlyGly)

Gene: TENT5A (terminal nucleotidyltransferase 5A; minus strand). Cytogenetic location: 6q14.1.
Variant type: Microsatellite.
Coding change: c.72CGGCGACTTCGGCGG[9] on transcript NM_017633.3 (MANE Select); nine copies in a row of the 15-base unit CGGCGACTTCGGCGG starting at c.72.
Protein change: p.Gly45_Gly46insAspPheGlyGlyGlyAspPheGlyGlyGlyAspPheGlyGlyGlyAspPheGlyGlyGlyAspPheGlyGlyGly.
Molecular consequence: inframe insertion.
Genome position: GRCh38, VCF-style position (the base before the change): chr6:81,752,010. GRCh37 (hg19), VCF-style position (the base before the change): chr6:82,461,727.
Identifiers: ClinVar variation 2156578 (VCV002156578.1), dbSNP rs754008809, ClinGen allele CA1091105355.

ClinVar aggregate classification (germline): Uncertain significance (1 of 4 stars; one submission).

Submission:

Labcorp Genetics (formerly Invitae), Labcorp
Classification: Uncertain significance. Last evaluated: 2022-07-21. Review status: criteria provided, single submitter. Criteria: Invitae Variant Classification Sherloc (09022015). Collection method: clinical testing. Allele origin: germline.
Comment: This variant, c.131_132ins75, results in the insertion of 25 amino acid(s) of the FAM46A protein (p.Gly45_Gly46ins25), but otherwise preserves the integrity of the reading frame. This variant is not present in population databases (gnomAD no frequency). This variant has not been reported in the literature in individuals affected with FAM46A-related conditions. Experimental studies and prediction algorithms are not available or were not evaluated, and the functional significance of this variant is currently unknown. In summary, the available evidence is currently insufficient to determine the role of this variant in disease. Therefore, it has been classified as a Variant of Uncertain Significance.